The following is an entry in ClinVar:

ClinVar aggregate classification (germline): Likely benign. Review status: criteria provided, multiple submitters, no conflicts (2 of 4 stars). 4 submissions from 4 submitters: Likely benign (4). Last evaluated 2026-01-31.

Conditions:
Inborn genetic diseases. Identifiers: MedGen C0950123, MeSH D030342.

Allele frequency attached by ClinVar (database versions not stated): ExAC 0.00010; gnomAD exomes 0.00010 and 0.00021; gnomAD 0.00017; TOPMed 0.00019.
gnomAD v4.1: 339 of 1,606,948 alleles (0.021%); highest among the groups gnomAD compares: Non-Finnish European, 0.025%; no homozygotes.

Submissions (4):

Labcorp Genetics (formerly Invitae), Labcorp
Classification: Likely benign. Last evaluated: 2026-01-31. Review status: criteria provided, single submitter. Criteria: Invitae Variant Classification Sherloc (09022015). Collection method: clinical testing. Allele origin: germline.

CeGaT Center for Human Genetics Tuebingen
Classification: Likely benign. Last evaluated: 2025-07-01. Review status: criteria provided, single submitter. Criteria: CeGaT Center For Human Genetics Tuebingen Variant Classification Criteria Version 2. Collection method: clinical testing. Allele origin: germline. Affected: yes. Observed: 1 variant allele.
Comment: CACNA1E: BS2

Blueprint Genetics
Classification: Likely benign. Last evaluated: 2024-09-25. Review status: criteria provided, single submitter. Criteria: ACMG Guidelines, 2015. Collection method: clinical testing. Allele origin: germline.

Ambry Genetics
Classification: Likely benign for Inborn genetic diseases. Last evaluated: 2023-10-25. Review status: criteria provided, single submitter. Criteria: Ambry Variant Classification Scheme 2023. Collection method: clinical testing. Allele origin: germline.

NM_001205293.3(CACNA1E):c.3170C>T (p.Thr1057Met)

Gene: CACNA1E (calcium voltage-gated channel subunit alpha1 E; plus strand). Cytogenetic location: 1q25.3.
Variant type: single nucleotide variant.
Coding change: c.3170C>T on transcript NM_001205293.3 (MANE Select); coding-DNA position 3170, C replaced by T.
Protein change: p.Thr1057Met; replaces threonine 1057 with methionine.
Molecular consequence: missense variant.
Genome position (GRCh38, 1-based): chr1:181,733,658, C>T. VCF-style: chr1-181733658-C-T. GRCh37 (hg19) VCF-style: chr1-181702794-C-T.
Other names: c.3170C>T, p.Thr1057Met (NM_000721.4); c.3113C>T, p.Thr1038Met (NM_001205294.2); c.3170C>T (NM_001205293.1); short protein forms T1038M, T1057M.
Identifiers: ClinVar variation 1588285 (VCV001588285.18), dbSNP rs202026230, ClinGen allele CA1275492.